The following is an entry in ClinVar:

NM_000053.4(ATP7B):c.2241C>T (p.Ile747=)

Gene: ATP7B (ATPase copper transporting beta; minus strand). Cytogenetic location: 13q14.3.
Variant type: single nucleotide variant.
Coding change: c.2241C>T on transcript NM_000053.4 (MANE Select); coding-DNA position 2241, C replaced by T.
Protein change: p.Ile747=; no amino-acid change (isoleucine 747 retained).
Molecular consequence: synonymous variant. On other transcripts: intron variant (2).
Genome position (GRCh38, 1-based): chr13:51,958,425, G>A on the plus strand (C>T on the coding strand, the complement: ATP7B is on the minus strand). VCF-style: chr13-51958425-G-A. GRCh37 (hg19) VCF-style: chr13-52532561-G-A.
Other names: c.1908C>T, p.Ile636= (NM_001243182.2); c.1989C>T, p.Ile663= (NM_001330579.2); c.1870-818C>T (NM_001005918.3); c.2122-818C>T (NM_001330578.2).
Identifiers: ClinVar variation 1133934 (VCV001133934.13), dbSNP rs757991922, ClinGen allele CA483896142.

ClinVar aggregate classification (germline): Conflicting classifications of pathogenicity. Review status: criteria provided, conflicting classifications (1 of 4 stars). 3 submissions from 3 submitters: Likely pathogenic (1); Uncertain significance (1); Likely benign (1). Last evaluated 2025-03-06.

Conditions:
Wilson disease (WND). Also called: Wilson's disease. Identifiers: Orphanet 905, MedGen C0019202, MONDO:0010200, OMIM 277900. Disease mechanism: loss of function.

Submissions (3):

Labcorp Genetics (formerly Invitae), Labcorp
Classification: Likely benign for Wilson disease. Last evaluated: 2025-03-06. Review status: criteria provided, single submitter. Criteria: Invitae Variant Classification Sherloc (09022015). Collection method: clinical testing. Allele origin: germline.

Revvity Omics, Revvity
Classification: Uncertain significance for Wilson disease. Last evaluated: 2024-04-26. Review status: criteria provided, single submitter. Criteria: ACMG Guidelines, 2015. Collection method: clinical testing. Allele origin: germline.

Research Unit for Rare Diseases, 1st Faculty of Medicine, Charles University in Prague
Classification: Likely pathogenic for Wilson disease. Last evaluated: 2023-05-22. Review status: criteria provided, single submitter. Criteria: ACMG Guidelines, 2015. Collection method: research. Allele origin: germline. Inheritance: Autosomal recessive inheritance. Affected: yes. Observed: 1 compound heterozygote.
Comment: In vivo characterisation of the c.2241C>T (p.Ile747=) variant based on long-read amplicon sequencing of the ATP7B cDNA PCR product in the studied WD patient demonstrates, that the variant leads to splicing error of ATP7B mRNA (Steiner Mrazova et al., unpublished data 2023).